The following is an entry in ClinVar:

NM_015512.5(DNAH1):c.9343C>T (p.Arg3115Trp)

Gene: DNAH1 (dynein axonemal heavy chain 1; plus strand). Cytogenetic location: 3p21.1.
Variant type: single nucleotide variant.
Coding change: c.9343C>T on transcript NM_015512.5 (MANE Select); coding-DNA position 9343, C replaced by T.
Protein change: p.Arg3115Trp; replaces arginine 3115 with tryptophan.
Molecular consequence: missense variant.
Genome position (GRCh38, 1-based): chr3:52,388,589, C>T. VCF-style: chr3-52388589-C-T. GRCh37 (hg19) VCF-style: chr3-52422605-C-T.
Other names: p.Arg3115Trp; short protein forms R3115W.
Identifiers: ClinVar variation 478511 (VCV000478511.20), dbSNP rs185397176, ClinGen allele CA2435450.

ClinVar aggregate classification (germline): Conflicting classifications of pathogenicity. Review status: criteria provided, conflicting classifications (1 of 4 stars). 7 submissions from 7 submitters: Uncertain significance (4); Likely benign (2). 1 of the submissions does not count toward it. Last evaluated 2026-10-22.

Conditions:
DNAH1-related disorder. Also called: DNAH1-related condition.
Spermatogenic failure 18. Identifiers: MedGen C4539783, MONDO:0054615, OMIM 617576.
Ciliary dyskinesia, primary, 37 (CILD37). Also called: CILIARY DYSKINESIA, PRIMARY, 37, WITH OR WITHOUT SITUS INVERSUS. Identifiers: MedGen C4539798, MONDO:0033204, OMIM 617577.

Allele frequency attached by ClinVar (database versions not stated): ExAC 0.00080; gnomAD exomes 0.00088 and 0.00169; 1000 Genomes Project 0.00020; ESP Exome Variant Server 0.00108; gnomAD 0.00109 and 0.00107; TOPMed 0.00143; 1000 Genomes Project 30x 0.00031.
gnomAD v4.1: 2,651 of 1,612,022 alleles (0.16%); highest among the groups gnomAD compares: Non-Finnish European, 0.19%; 3 homozygotes.

Submissions (7):

GeneDx
Classification: Uncertain significance. Last evaluated: 2026-10-22. Review status: criteria provided, single submitter. Criteria: GeneDx Variant Classification Process June 2021. Collection method: clinical testing. Allele origin: germline.
Comment: Reported in the heterozygous state, either inherited or unknown segregation status, in patients with intellectual disability or schizophrenia in published literature (PMID: 25356899, 28719003); In silico analysis supports that this missense variant has a deleterious effect on protein structure/function; In silico analysis suggests this variant may impact gene splicing. In the absence of RNA/functional studies, the actual effect of this sequence change is unknown.; This variant is associated with the following publications: (PMID: 28719003, 25356899, 26740555)

Labcorp Genetics (formerly Invitae), Labcorp
Classification: Likely benign for Ciliary dyskinesia, primary, 37; Spermatogenic failure 18. Last evaluated: 2026-01-22. Review status: criteria provided, single submitter. Criteria: Invitae Variant Classification Sherloc (09022015). Collection method: clinical testing. Allele origin: germline.

Blueprint Genetics
Classification: Uncertain significance. Last evaluated: 2024-10-01. Review status: criteria provided, single submitter. Criteria: ACMG Guidelines, 2015. Collection method: clinical testing. Allele origin: germline.

Mayo Clinic Laboratories, Mayo Clinic
Classification: Uncertain significance. Last evaluated: 2024-09-05. Review status: criteria provided, single submitter. Criteria: ACMG Guidelines, 2015. Collection method: clinical testing. Allele origin: germline. Observed: 1 variant allele.

ARUP Laboratories, Molecular Genetics and Genomics, ARUP Laboratories
Classification: Likely benign. Last evaluated: 2023-10-03. Review status: criteria provided, single submitter. Criteria: ARUP Molecular Germline Variant Investigation Process 2024. Collection method: clinical testing. Allele origin: germline.

Revvity Omics, Revvity
Classification: Uncertain significance. Last evaluated: 2022-05-19. Review status: criteria provided, single submitter. Criteria: ACMG Guidelines, 2015. Collection method: clinical testing. Allele origin: germline.

PreventionGenetics, part of Exact Sciences
Classification: Likely benign for DNAH1-related condition. Last evaluated: 2023-04-04. Review status: no assertion criteria provided. Collection method: clinical testing. Allele origin: germline. Not counted in ClinVar's aggregate classification.
Comment: This variant is classified as likely benign based on ACMG/AMP sequence variant interpretation guidelines (Richards et al. 2015 PMID: 25741868, with internal and published modifications).